The following is an entry in ClinVar:

ClinVar aggregate classification (germline): Conflicting classifications of pathogenicity. Review status: criteria provided, conflicting classifications (1 of 4 stars). 2 submissions from 2 submitters: Uncertain significance (1); Benign (1). Last evaluated 2023-07-25.

Allele frequency attached by ClinVar (database versions not stated): gnomAD exomes below 0.00001; gnomAD 0.00001; TOPMed 0.00001; ExAC 0.00002.
gnomAD v4.1: 7 of 1,613,412 alleles (0.00043%); highest among the groups gnomAD compares: Middle Eastern, 0.016%; no homozygotes.

Submissions (2):

Labcorp Genetics (formerly Invitae), Labcorp
Classification: Benign. Last evaluated: 2023-07-25. Review status: criteria provided, single submitter. Criteria: Invitae Variant Classification Sherloc (09022015). Collection method: clinical testing. Allele origin: germline.

GeneDx
Classification: Uncertain significance. Last evaluated: 2022-05-04. Review status: criteria provided, single submitter. Criteria: GeneDx Variant Classification Process June 2021. Collection method: clinical testing. Allele origin: germline. Affected: yes.
Comment: In silico analysis supports that this missense variant does not alter protein structure/function; Has not been previously published as a pathogenic or benign germline variant to our knowledge; This variant is associated with the following publications: (PMID: 33503190)

NM_002473.6(MYH9):c.5807G>A (p.Arg1936Gln)

Gene: MYH9 (myosin heavy chain 9; minus strand). Cytogenetic location: 22q12.3.
Variant type: single nucleotide variant.
Coding change: c.5807G>A on transcript NM_002473.6 (MANE Select); coding-DNA position 5807, G replaced by A.
Protein change: p.Arg1936Gln; replaces arginine 1936 with glutamine.
Molecular consequence: missense variant.
Genome position (GRCh38, 1-based): chr22:36,282,744, C>T on the plus strand (G>A on the coding strand, the complement: MYH9 is on the minus strand). VCF-style: chr22-36282744-C-T. GRCh37 (hg19) VCF-style: chr22-36678790-C-T.
Other names: short protein forms R1936Q.
Identifiers: ClinVar variation 1723053 (VCV001723053.8), dbSNP rs781388651, ClinGen allele CA10208901.
Genomic context (GRCh38, chr22:36,282,744, plus strand): 5'-GCCTCAGCCCCATCCGCTTTGCCATCTACCTCTTCGTCGGAGCCATCCCCGGCGCCTTTC[C>T]GGGCCATTCGGCGGGGCACGACAAACGGCAGGTCCCCGCGCCTGGGGGCAGAGGTAGAAG-3'
Protein context (NP_002464.1, residues 1926-1946): LPFVVPRRMA[Arg1936Gln]KGAGDGSDEE